The following is an entry in ClinVar:

ClinVar aggregate classification (germline): Benign. Review status: criteria provided, multiple submitters, no conflicts (2 of 4 stars). 4 submissions from 4 submitters: Benign (4). Last evaluated 2026-06-01.

Conditions:
Early-infantile DEE. Also called: Early infantile epileptic encephalopathy; Early infantile epileptic encephalopathy with suppression bursts; Ohtahara syndrome. Identifiers: Orphanet 1934, MedGen C0393706, MONDO:0800491.
Inborn genetic diseases. Identifiers: MedGen C0950123, MeSH D030342.

Allele frequency attached by ClinVar (database versions not stated): ESP Exome Variant Server 0.00008; gnomAD 0.00010 and 0.00034; TOPMed 0.00018; gnomAD exomes 0.00071 and 0.00154; 1000 Genomes Project 30x 0.00156; ExAC 0.00170; 1000 Genomes Project 0.00180.
gnomAD v4.1: 1,096 of 1,612,130 alleles (0.068%); highest among the groups gnomAD compares: South Asian, 1%; 20 homozygotes.

Submissions (4):

CeGaT Center for Human Genetics Tuebingen
Classification: Benign. Last evaluated: 2026-06-01. Review status: criteria provided, single submitter. Criteria: CeGaT Center For Human Genetics Tuebingen Variant Classification Criteria Version 2. Collection method: clinical testing. Allele origin: germline. Affected: yes. Observed: 4 variant alleles.
Comment: KCNQ2: BP4, BP7, BS1, BS2

Labcorp Genetics (formerly Invitae), Labcorp
Classification: Benign for Early-infantile DEE. Last evaluated: 2026-02-03. Review status: criteria provided, single submitter. Criteria: Invitae Variant Classification Sherloc (09022015). Collection method: clinical testing. Allele origin: germline.

Ambry Genetics
Classification: Benign for Inborn genetic diseases. Last evaluated: 2016-10-31. Review status: criteria provided, single submitter. Criteria: Ambry Variant Classification Scheme 2023. Collection method: clinical testing. Allele origin: germline.

GeneDx
Classification: Benign. Last evaluated: 2013-02-07. Review status: criteria provided, single submitter. Criteria: GeneDx Variant Classification (06012015). Collection method: clinical testing. Allele origin: germline. Affected: yes.
Comment: This variant is considered likely benign or benign based on one or more of the following criteria: it is a conservative change, it occurs at a poorly conserved position in the protein, it is predicted to be benign by multiple in silico algorithms, and/or has population frequency not consistent with disease.

NM_172107.4(KCNQ2):c.1458C>T (p.Phe486=)

Gene: KCNQ2 (potassium voltage-gated channel subfamily Q member 2; minus strand). Cytogenetic location: 20q13.33.
Variant type: single nucleotide variant.
Coding change: c.1458C>T on transcript NM_172107.4 (MANE Select); coding-DNA position 1458, C replaced by T.
Protein change: p.Phe486=; no amino-acid change (phenylalanine 486 retained).
Molecular consequence: synonymous variant.
Genome position (GRCh38, 1-based): chr20:63,414,970, G>A on the plus strand (C>T on the coding strand, the complement: KCNQ2 is on the minus strand). VCF-style: chr20-63414970-G-A. GRCh37 (hg19) VCF-style: chr20-62046323-G-A.
Other names: p.F486F:TTC>TTT; c.1374C>T, p.Phe458= (NM_004518.6); c.1404C>T, p.Phe468= (NM_172106.3); c.1368C>T, p.Phe456= (NM_172108.5).
Identifiers: ClinVar variation 138024 (VCV000138024.78), dbSNP rs141951341, ClinGen allele CA291797.